The following is an entry in ClinVar:

NM_005633.4(SOS1):c.1772A>G (p.Asn591Ser)

Gene: SOS1 (SOS Ras/Rac guanine nucleotide exchange factor 1; minus strand). Cytogenetic location: 2p22.1.
Variant type: single nucleotide variant.
Coding change: c.1772A>G on transcript NM_005633.4 (MANE Select); coding-DNA position 1772, A replaced by G.
Protein change: p.Asn591Ser; replaces asparagine 591 with serine.
Molecular consequence: missense variant.
Genome position (GRCh38, 1-based): chr2:39,022,656, T>C on the plus strand (A>G on the coding strand, the complement: SOS1 is on the minus strand). VCF-style: chr2-39022656-T-C. GRCh37 (hg19) VCF-style: chr2-39249797-T-C.
Other names: NM_005633.3(SOS1):c.1772A>G; c.1751A>G, p.Asn584Ser (NM_001382394.1); c.1772A>G, p.Asn591Ser (NM_001382395.1); short protein forms N591S, N584S.
Identifiers: ClinVar variation 448943 (VCV000448943.21), dbSNP rs757213444, ClinGen allele CA1624554.

ClinVar aggregate classification (germline): Benign. Review status: reviewed by expert panel (3 of 4 stars). 7 submissions from 7 submitters: Benign (1). 6 of the submissions do not count toward it. Last evaluated 2017-04-18.

Conditions:
SOS1-related disorder. Also called: SOS1-related condition.
Cardiovascular phenotype. Identifiers: MedGen CN230736.
RASopathy. Also called: rasopathies; Noonan spectrum disorder. Identifiers: Orphanet 536391, MedGen C5555857, MONDO:0021060.

Allele frequency attached by ClinVar (database versions not stated): gnomAD 0.00002; gnomAD exomes 0.00005 and 0.00012; TOPMed 0.00006; ExAC 0.00009.

Submissions (7):

ClinGen RASopathy Variant Curation Expert Panel
Classification: Benign for Noonan syndrome and Noonan-related syndrome. Last evaluated: 2017-04-18. Review status: reviewed by expert panel. Criteria: ClinGen RASopathy ACMG Specifications v1. Collection method: curation. Allele origin: germline. Inheritance: Autosomal dominant inheritance.
Comment: The filtering allele frequency of the c.1772A>G (p.Asn591Ser) variant in the SOS1 gene is 0.054% (11/11524) of Latino chromosomes by the Exome Aggregation Consortium, which is a high enough frequency to be classified as benign based on thresholds defined by the ClinGen RASopathy Expert Panel (BA1; PMID:29493581)

Women's Health and Genetics/Laboratory Corporation of America, LabCorp
Classification: Uncertain significance. Last evaluated: 2026-01-10. Review status: criteria provided, single submitter. Criteria: LabCorp Variant Classification Summary - May 2015. Collection method: clinical testing. Allele origin: germline. Not counted in ClinVar's aggregate classification.

Labcorp Genetics (formerly Invitae), Labcorp
Classification: Likely benign for RASopathy. Last evaluated: 2026-01-05. Review status: criteria provided, single submitter. Criteria: Invitae Variant Classification Sherloc (09022015). Collection method: clinical testing. Allele origin: germline. Not counted in ClinVar's aggregate classification.

Ambry Genetics
Classification: Likely benign for Cardiovascular phenotype. Last evaluated: 2023-09-26. Review status: criteria provided, single submitter. Criteria: Ambry Variant Classification Scheme 2023. Collection method: clinical testing. Allele origin: germline. Not counted in ClinVar's aggregate classification.

Laboratory for Molecular Medicine, Mass General Brigham Personalized Medicine
Classification: Benign. Last evaluated: 2018-01-19. Review status: criteria provided, single submitter. Criteria: LMM Criteria. Collection method: clinical testing. Allele origin: germline. Observed: 1 variant allele. Not counted in ClinVar's aggregate classification.
Comment: p.Asn591Ser in exon 10 of SOS1: This variant has been classified as benign by a ClinGen-approved expert panel (ClinVar ID:448943). It is not expected to have cl inical significance because it has been identified in 0.09% (32/34374) of Latino chromosomes by the Genome Aggregation Database (gnomAD; dbSNP rs757213444). ACMG/AMP Criteria applied: BA1; BP4.

GeneDx
Classification: Benign. Last evaluated: 2017-07-05. Review status: criteria provided, single submitter. Criteria: GeneDx Variant Classification (06012015). Collection method: clinical testing. Allele origin: germline. Affected: yes. Not counted in ClinVar's aggregate classification.
Comment: This variant is considered likely benign or benign based on one or more of the following criteria: it is a conservative change, it occurs at a poorly conserved position in the protein, it is predicted to be benign by multiple in silico algorithms, and/or has population frequency not consistent with disease.

PreventionGenetics, part of Exact Sciences
Classification: Likely benign for SOS1-related condition. Last evaluated: 2023-05-16. Review status: no assertion criteria provided. Collection method: clinical testing. Allele origin: germline. Not counted in ClinVar's aggregate classification.
Comment: This variant is classified as likely benign based on ACMG/AMP sequence variant interpretation guidelines (Richards et al. 2015 PMID: 25741868, with internal and published modifications).